The following is an entry in ClinVar:

NM_000285.4(PEPD):c.152G>A (p.Gly51Glu)

Gene: PEPD (peptidase D; minus strand). Cytogenetic location: 19q13.11.
Variant type: single nucleotide variant.
Coding change: c.152G>A on transcript NM_000285.4 (MANE Select); coding-DNA position 152, G replaced by A.
Protein change: p.Gly51Glu; replaces glycine 51 with glutamic acid.
Molecular consequence: missense variant.
Genome position (GRCh38, 1-based): chr19:33,512,642, C>T on the plus strand (G>A on the coding strand, the complement: PEPD is on the minus strand). VCF-style: chr19-33512642-C-T. GRCh37 (hg19) VCF-style: chr19-34003548-C-T.
Other names: c.152G>A, p.Gly51Glu (NM_001166056.2, NM_001166057.2); c.152G>A (NM_000285.3); short protein forms G51E.
Identifiers: ClinVar variation 1038305 (VCV001038305.5), dbSNP rs199892951, ClinGen allele CA9364480.

ClinVar aggregate classification (germline): Uncertain significance. Review status: criteria provided, multiple submitters, no conflicts (2 of 4 stars). 3 submissions from 3 submitters: Uncertain significance (3). Last evaluated 2022-08-21.

Conditions:
Inborn genetic diseases. Identifiers: MedGen C0950123, MeSH D030342.

Allele frequency attached by ClinVar (database versions not stated): ExAC 0.00008; ESP Exome Variant Server 0.00008; gnomAD exomes 0.00015; TOPMed 0.00019; gnomAD 0.00020 and 0.00021.
gnomAD v4.1: 582 of 1,613,846 alleles (0.036%); highest among the groups gnomAD compares: Non-Finnish European, 0.047%; no homozygotes.

Submissions (3):

Labcorp Genetics (formerly Invitae), Labcorp
Classification: Uncertain significance. Last evaluated: 2022-08-21. Review status: criteria provided, single submitter. Criteria: Invitae Variant Classification Sherloc (09022015). Collection method: clinical testing. Allele origin: germline.
Comment: This sequence change replaces glycine, which is neutral and non-polar, with glutamic acid, which is acidic and polar, at codon 51 of the PEPD protein (p.Gly51Glu). This variant is present in population databases (rs199892951, gnomAD 0.03%). This variant has not been reported in the literature in individuals affected with PEPD-related conditions. ClinVar contains an entry for this variant (Variation ID: 1038305). Algorithms developed to predict the effect of missense changes on protein structure and function (SIFT, PolyPhen-2, Align-GVGD) all suggest that this variant is likely to be disruptive. In summary, the available evidence is currently insufficient to determine the role of this variant in disease. Therefore, it has been classified as a Variant of Uncertain Significance.

Ambry Genetics
Classification: Uncertain significance for Inborn genetic diseases. Last evaluated: 2022-07-08. Review status: criteria provided, single submitter. Criteria: Ambry Variant Classification Scheme 2023. Collection method: clinical testing. Allele origin: germline.

Breakthrough Genomics
Classification: Uncertain significance. Review status: criteria provided, single submitter. Criteria: ACMG Guidelines, 2015. Collection method: not provided. Allele origin: germline. Inheritance: Autosomal dominant inheritance. Affected: yes.

Literature cited by the submitters: PubMed 29158550 (cited by Ambry Genetics).